The following is an entry in ClinVar:

NM_001458.5(FLNC):c.4043G>A (p.Cys1348Tyr)

Gene: FLNC (filamin C; plus strand). Cytogenetic location: 7q32.1.
Variant type: single nucleotide variant.
Coding change: c.4043G>A on transcript NM_001458.5 (MANE Select); coding-DNA position 4043, G replaced by A.
Protein change: p.Cys1348Tyr; replaces cysteine 1348 with tyrosine.
Molecular consequence: missense variant.
Genome position (GRCh38, 1-based): chr7:128,846,379, G>A. VCF-style: chr7-128846379-G-A. GRCh37 (hg19) VCF-style: chr7-128486433-G-A.
Other names: c.4043G>A, p.Cys1348Tyr (NM_001127487.2); short protein forms C1348Y.
Identifiers: ClinVar variation 3762384 (VCV003762384.4).

ClinVar aggregate classification (germline): Uncertain significance. Review status: criteria provided, multiple submitters, no conflicts (2 of 4 stars). 3 submissions from 3 submitters: Uncertain significance (3). Last evaluated 2025-09-02.

Conditions:
Cardiovascular phenotype. Identifiers: MedGen CN230736.
Hypertrophic cardiomyopathy 26. Also called: Cardiomyopathy, familial hypertrophic, 26. Identifiers: Orphanet 75249, MedGen C4310749, MONDO:0014883, OMIM 617047.
Distal myopathy with posterior leg and anterior hand involvement. Also called: WILLIAMS DISTAL MYOPATHY. Identifiers: Orphanet 63273, MedGen C3279722, MONDO:0013550, OMIM 614065.
Myofibrillar myopathy 5. Also called: Filaminopathy (type); FILAMINOPATHY, AUTOSOMAL DOMINANT. Identifiers: Orphanet 171445, MedGen C1836050, MONDO:0012289, OMIM 609524.

gnomAD v4.1: 1 of 1,612,368 alleles (0.000062%); highest among the groups gnomAD compares: Non-Finnish European, 0.000085%; no homozygotes.

Submissions (3):

Ambry Genetics
Classification: Uncertain significance for Cardiovascular phenotype. Last evaluated: 2025-09-02. Review status: criteria provided, single submitter. Criteria: Ambry Variant Classification Scheme 2023. Collection method: clinical testing. Allele origin: germline.

GeneDx
Classification: Uncertain significance. Last evaluated: 2025-06-20. Review status: criteria provided, single submitter. Criteria: GeneDx Variant Classification Process June 2021. Collection method: clinical testing. Allele origin: germline. Affected: yes.
Comment: Not observed at significant frequency in large population cohorts (gnomAD); In silico analysis supports that this missense variant has a deleterious effect on protein structure/function; Has not been previously published as pathogenic or benign to our knowledge

Labcorp Genetics (formerly Invitae), Labcorp
Classification: Uncertain significance for Distal myopathy with posterior leg and anterior hand involvement; Myofibrillar myopathy 5; Hypertrophic cardiomyopathy 26. Last evaluated: 2024-04-25. Review status: criteria provided, single submitter. Criteria: Invitae Variant Classification Sherloc (09022015). Collection method: clinical testing. Allele origin: germline.
Comment: This sequence change replaces cysteine, which is neutral and slightly polar, with tyrosine, which is neutral and polar, at codon 1348 of the FLNC protein (p.Cys1348Tyr). This variant is not present in population databases (gnomAD no frequency). This variant has not been reported in the literature in individuals affected with FLNC-related conditions. Advanced modeling of protein sequence and biophysical properties (such as structural, functional, and spatial information, amino acid conservation, physicochemical variation, residue mobility, and thermodynamic stability) has been performed at Invitae for this missense variant, however the output from this modeling did not meet the statistical confidence thresholds required to predict the impact of this variant on FLNC protein function. In summary, the available evidence is currently insufficient to determine the role of this variant in disease. Therefore, it has been classified as a Variant of Uncertain Significance.